The following is an entry in ClinVar:

NM_001267550.2(TTN):c.21364G>A (p.Ala7122Thr)

Genes: TTN (titin; minus strand), LOC126806428 (BRD4-independent group 4 enhancer GRCh37_chr2:179588362-179589561; plus strand). Cytogenetic location: 2q31.2.
Variant type: single nucleotide variant.
Coding change: c.21364G>A on transcript NM_001267550.2 (MANE Select); coding-DNA position 21364, G replaced by A.
Protein change: p.Ala7122Thr; replaces alanine 7122 with threonine.
Molecular consequence: missense variant. On other transcripts: intron variant (3).
Genome position (GRCh38, 1-based): chr2:178,723,895, C>T on the plus strand (G>A on the coding strand, the complement: TTN is on the minus strand). VCF-style: chr2-178723895-C-T. GRCh37 (hg19) VCF-style: chr2-179588622-C-T.
Other names: p.A6805T:GCT>ACT; c.20413G>A, p.Ala6805Thr (NM_001256850.1); c.17632G>A, p.Ala5878Thr (NM_133378.4); c.13282+14187G>A (NM_003319.4); c.13858+14187G>A (NM_133437.4); c.13657+14187G>A (NM_133432.3); short protein forms A7122T, A5878T, A6805T.
Identifiers: ClinVar variation 46683 (VCV000046683.48), dbSNP rs201394117, ClinGen allele CA138945.
Genomic context (GRCh38, chr2:178,723,895, plus strand): 5'-CAAGTTTGACTGTCTACTGACCTTGTACAGTTAGCACTGCACGACATTCATCAGACCCAG[C>T]GACATTAGCAGCCACGCATGTGTAATTGCCCATATCTGAGGAATCCAGAGAATTCAACTG-3'
Protein context (NP_001254479.2, residues 7112-7132): GNYTCVAANV[Ala7122Thr]GSDECRAVLT

ClinVar aggregate classification (germline): Conflicting classifications of pathogenicity. Review status: criteria provided, conflicting classifications (1 of 4 stars). 21 submissions from 17 submitters: Uncertain significance (9); Benign (3); Likely benign (6). 3 of the submissions do not count toward it. Last evaluated 2026-08-01.

Conditions:
TTN-related disorder. Also called: TTN-related disorders; TTN-related condition; TTN-related disease.
Dilated cardiomyopathy 1G (CMD1G). Identifiers: Orphanet 154, MedGen C1858763, MONDO:0011400, OMIM 604145.
Autosomal recessive limb-girdle muscular dystrophy type 2J (LGMDR10). Also called: MUSCULAR DYSTROPHY, LIMB-GIRDLE, AUTOSOMAL RECESSIVE 10; Limb-girdle muscular dystrophy, type 2J. Identifiers: Orphanet 140922, MedGen C1837342, MONDO:0012127, OMIM 608807.
Cardiomyopathy (CMYO). Also called: Cardiomyopathies. Identifiers: Orphanet 167848, MedGen C0878544, MONDO:0004994, HP:0001638. Inheritance: Various modes of inheritance.
Early-onset myopathy with fatal cardiomyopathy (CMYO5). Also called: CONGENITAL MYOPATHY 5 WITH CARDIOMYOPATHY; Salih Myopathy. Identifiers: Orphanet 289377, MedGen C2673677, MONDO:0012714, OMIM 611705. Disease mechanism: loss of function.
Myopathy, myofibrillar, 9, with early respiratory failure (MFM9). Also called: Myopathy, distal, with early respiratory failure, autosomal dominant; Hereditary myopathy with early respiratory failure; MYOPATHY, PROXIMAL, WITH EARLY RESPIRATORY MUSCLE INVOLVEMENT; EDSTROM MYOPATHY. Identifiers: Orphanet 178464, Orphanet 34521, MedGen C1863599, MONDO:0011362, OMIM 603689.
Tibial muscular dystrophy (TMD). Also called: Udd Distal Myopathy – Tibial Muscular Dystrophy; Tibial muscular dystrophy, tardive; UDD MYOPATHY. Identifiers: Orphanet 609, MedGen C1838244, MONDO:0010870, OMIM 600334.

Allele frequency attached by ClinVar (database versions not stated): TOPMed 0.00029; ESP Exome Variant Server 0.00040; gnomAD 0.00042 and 0.00040; 1000 Genomes Project 30x 0.00016.
gnomAD v4.1: 577 of 1,612,896 alleles (0.036%); highest among the groups gnomAD compares: Non-Finnish European, 0.041%; no homozygotes.

Submissions (21):

CeGaT Center for Human Genetics Tuebingen
Classification: Uncertain significance. Last evaluated: 2026-08-01. Review status: criteria provided, single submitter. Criteria: CeGaT Center For Human Genetics Tuebingen Variant Classification Criteria Version 2. Collection method: clinical testing. Allele origin: germline. Affected: yes. Observed: 1 variant allele.
Comment: TTN: PM2

Labcorp Genetics (formerly Invitae), Labcorp
Classification: Likely benign for Dilated cardiomyopathy 1G; Autosomal recessive limb-girdle muscular dystrophy type 2J. Last evaluated: 2026-01-28. Review status: criteria provided, single submitter. Criteria: Invitae Variant Classification Sherloc (09022015). Collection method: clinical testing. Allele origin: germline.

Women's Health and Genetics/Laboratory Corporation of America, LabCorp
Classification: Likely benign. Last evaluated: 2025-06-02. Review status: criteria provided, single submitter. Criteria: LabCorp Variant Classification Summary - May 2015. Collection method: clinical testing. Allele origin: germline.
Comment: Variant summary: TTN c.17632G>A (p.Ala5878Thr) results in a non-conservative amino acid change in the encoded protein sequence. Algorithms developed to predict the effect of missense changes on protein structure and function all suggest that this variant is likely to be disruptive. The variant allele was found at a frequency of 0.00043 in 247894 control chromosomes, predominantly at a frequency of 0.00068 within the Non-Finnish European subpopulation in the gnomAD database. The observed variant frequency within Non-Finnish European control individuals in the gnomAD database is approximately 1.74 fold of the estimated maximal expected allele frequency for a pathogenic variant in TTN causing Dilated Cardiomyopathy phenotype (0.00039). c.17632G>A has been observed in individual(s) affected with Dilated Cardiomyopathy (Lopes_2013). These report(s) do not provide unequivocal conclusions about association of the variant with Dilated Cardiomyopathy. Co-occurrences with other pathogenic variant(s) have been reported (MYH7, c.2389G>A), providing supporting evidence for a benign role. To our knowledge, no experimental evidence demonstrating an impact on protein function has been reported. The following publication have been ascertained in the context of this evaluation (PMID: 23396983). ClinVar contains an entry for this variant (Variation ID: 46683). Based on the evidence outlined above, the variant was classified as likely benign.

Molecular Diagnostic Laboratory for Inherited Cardiovascular Disease, Montreal Heart Institute
Classification: Likely benign. Last evaluated: 2025-04-09. Review status: criteria provided, single submitter. Criteria: ACMG Guidelines, 2015. Collection method: clinical testing. Allele origin: germline. Affected: no.

Revvity Omics, Revvity
Classification: Uncertain significance. Last evaluated: 2025-03-06. Review status: criteria provided, single submitter. Criteria: ACMG Guidelines, 2015. Collection method: clinical testing. Allele origin: germline.

Blueprint Genetics
Classification: Likely benign. Last evaluated: 2024-10-29. Review status: criteria provided, single submitter. Criteria: ACMG Guidelines, 2015. Collection method: clinical testing. Allele origin: germline.

Mayo Clinic Laboratories, Mayo Clinic
Classification: Uncertain significance. Last evaluated: 2021-02-01. Review status: criteria provided, single submitter. Criteria: ACMG Guidelines, 2015. Collection method: clinical testing. Allele origin: germline. Observed: 1 variant allele.

GeneDx
Classification: Likely benign. Last evaluated: 2020-02-28. Review status: criteria provided, single submitter. Criteria: GeneDx Variant Classification Process June 2021. Collection method: clinical testing. Allele origin: germline. Affected: yes.
Comment: This variant is associated with the following publications: (PMID: 23861362, 23396983)

CHEO Genetics Diagnostic Laboratory, Children's Hospital of Eastern Ontario
Classification: Benign for Cardiomyopathy. Last evaluated: 2018-06-06. Review status: criteria provided, single submitter. Criteria: ACMG Guidelines, 2015. Collection method: clinical testing. Allele origin: germline.

Illumina Laboratory Services, Illumina
Classification: Uncertain significance for Early-onset myopathy with fatal cardiomyopathy. Last evaluated: 2018-01-13. Review status: criteria provided, single submitter. Criteria: ICSL Variant Classification Criteria 13 December 2019. Collection method: clinical testing. Allele origin: germline.

Illumina Laboratory Services, Illumina
Classification: Benign for Myopathy, myofibrillar, 9, with early respiratory failure. Last evaluated: 2018-01-13. Review status: criteria provided, single submitter. Criteria: ICSL Variant Classification Criteria 13 December 2019. Collection method: clinical testing. Allele origin: germline.
Comment: This variant was observed in the ICSL laboratory as part of a predisposition screen in an ostensibly healthy population. It had not been previously curated by ICSL or reported in the Human Gene Mutation Database (HGMD: prior to June 1st, 2018), and was therefore a candidate for classification through an automated scoring system. Utilizing variant allele frequency, disease prevalence and penetrance estimates, and inheritance mode, an automated score was calculated to assess if this variant is too frequent to cause the disease. Based on the score and internal cut-off values, a variant classified as benign is not then subjected to further curation. The score for this variant resulted in a classification of benign for this disease.

Illumina Laboratory Services, Illumina
Classification: Benign for Tibial muscular dystrophy. Last evaluated: 2018-01-13. Review status: criteria provided, single submitter. Criteria: ICSL Variant Classification Criteria 13 December 2019. Collection method: clinical testing. Allele origin: germline.
Comment: the same text as in the submission from Illumina Laboratory Services, Illumina above.

Illumina Laboratory Services, Illumina
Classification: Uncertain significance for Dilated cardiomyopathy 1G. Last evaluated: 2018-01-13. Review status: criteria provided, single submitter. Criteria: ICSL Variant Classification Criteria 13 December 2019. Collection method: clinical testing. Allele origin: germline.

Illumina Laboratory Services, Illumina
Classification: Uncertain significance for Autosomal recessive limb-girdle muscular dystrophy type 2J. Last evaluated: 2018-01-13. Review status: criteria provided, single submitter. Criteria: ICSL Variant Classification Criteria 13 December 2019. Collection method: clinical testing. Allele origin: germline.

Eurofins Ntd Llc (ga)
Classification: Uncertain significance. Last evaluated: 2017-08-22. Review status: criteria provided, single submitter. Criteria: EGL Classification Definitions 2015. Collection method: clinical testing. Allele origin: germline. Observed: 9 variant alleles, 8 heterozygotes.

Athena Diagnostics
Classification: Likely benign. Last evaluated: 2017-03-22. Review status: criteria provided, single submitter. Criteria: Athena Diagnostics Criteria. Collection method: clinical testing. Allele origin: germline.

Biesecker Lab/Clinical Genomics Section, National Institutes of Health
Classification: Uncertain significance. Last evaluated: 2013-06-24. Review status: criteria provided, single submitter. Criteria: Ng et al. (Circ Cardiovasc Genet. 2013). Collection method: research. Allele origin: unknown. Observed: 1 variant allele. Study: ClinSeq.
Comment: The study set was not selected for affection status in relation to any cancer. Pathogenicity categories were based on literature curation. See Pubmed ID:23861362 for details.

Medical sequencing

Laboratory for Molecular Medicine, Mass General Brigham Personalized Medicine
Classification: Uncertain significance. Last evaluated: 2012-04-04. Review status: criteria provided, single submitter. Criteria: LMM Criteria. Collection method: clinical testing. Allele origin: germline. Observed: 1 variant allele.
Comment: The Ala5878Thr variant (TTN) has been identified in 6/6786 African American chro mosomes by the NHLBI Exome Sequencing Project in a broad population (.). Computational analyses (biochemical amino acid propertie s, conservation, AlignGVGD, PolyPhen2, and SIFT) do not provide strong support f or or against an impact to the protein. Additional information is needed to full y assess the clinical significance of the Ala5878Thr variant.

PreventionGenetics, part of Exact Sciences
Classification: Likely benign for TTN-related condition. Last evaluated: 2024-06-19. Review status: no assertion criteria provided. Collection method: clinical testing. Allele origin: germline. Not counted in ClinVar's aggregate classification.
Comment: This variant is classified as likely benign based on ACMG/AMP sequence variant interpretation guidelines (Richards et al. 2015 PMID: 25741868, with internal and published modifications).

Clinical Genetics DNA and cytogenetics Diagnostics Lab, Erasmus MC, Erasmus Medical Center
Classification: Likely benign. Review status: no assertion criteria provided. Collection method: clinical testing. Allele origin: germline. Affected: yes. Study: VKGL Data-share Consensus. Not counted in ClinVar's aggregate classification.

Clinical Genetics, Academic Medical Center
Classification: Likely benign. Review status: no assertion criteria provided. Collection method: clinical testing. Allele origin: germline. Affected: yes. Study: VKGL Data-share Consensus. Not counted in ClinVar's aggregate classification.

Literature cited by the submitters: PubMed 23396983 (cited by Women's Health and Genetics/Laboratory Corporation of America, LabCorp); PubMed 23861362 (cited by Athena Diagnostics).